The following is an entry in ClinVar:

ClinVar aggregate classification (germline): Uncertain significance (1 of 4 stars; one submission).

Conditions:
Dextro-looped transposition of the great arteries. Also called: Dextrotransposition of the great arteries. Identifiers: Orphanet 860, MedGen C3531771, MONDO:0019443, OMIM 608808, HP:0031348.

Submission:

Labcorp Genetics (formerly Invitae), Labcorp
Classification: Uncertain significance for Dextro-looped transposition of the great arteries. Last evaluated: 2018-08-06. Review status: criteria provided, single submitter. Criteria: Invitae Variant Classification Sherloc (09022015). Collection method: clinical testing. Allele origin: germline.
Comment: This sequence change causes a frameshift at codon 2191 in the last exon of the MED13L mRNA (p.Cys2191Leufs*64). While this is not anticipated to result in nonsense mediated decay, it is expected to disrupt the last 20 amino acids of the MED13L protein, and to extend the protein by an additional 43 amino acids. This variant is not present in population databases (ExAC no frequency). This variant has not been reported in the literature in individuals with MED13L-related disease. In summary, the available evidence is currently insufficient to determine the role of this variant in disease. Therefore, it has been classified as a Variant of Uncertain Significance.

NM_015335.5(MED13L):c.6570dup (p.Cys2191fs)

Gene: MED13L (mediator complex subunit 13L; minus strand). Cytogenetic location: 12q24.21.
Variant type: Duplication.
Coding change: c.6570dup on transcript NM_015335.5 (MANE Select); coding-DNA position 6570, one base duplicated (C; older notation c.6570dupC).
Protein change: p.Cys2191fs; shifts the reading frame from cysteine 2191.
Molecular consequence: frameshift variant.
Genome position (GRCh38, 1-based): chr12:115,961,329, G duplicated on the plus strand (C on the coding strand, the reverse complement: MED13L is on the minus strand); the first of 2 consecutive G bases (chr12:115,961,329-115,961,330); duplicating either gives the same sequence. VCF-style (leftmost placement, unchanged base first): chr12-115961328-A-AG. GRCh37 (hg19) VCF-style: chr12-116399133-A-AG.
Other names: c.6570dupC (NM_015335.4); short protein forms C2191fs.
Identifiers: ClinVar variation 642696 (VCV000642696.9), dbSNP rs1592888491, ClinGen allele CA915946732.